The following is an entry in ClinVar:

ClinVar aggregate classification (germline): Uncertain significance (1 of 4 stars; one submission).

Submission:

GeneDx
Classification: Uncertain significance. Last evaluated: 2022-07-28. Review status: criteria provided, single submitter. Criteria: GeneDx Variant Classification Process June 2021. Collection method: clinical testing. Allele origin: germline. Affected: yes.
Comment: Not observed at significant frequency in large population cohorts (gnomAD); In silico analysis supports that this missense variant does not alter protein structure/function; Has not been previously published as pathogenic or benign to our knowledge

NM_015466.4(PTPN23):c.1872C>G (p.Asp624Glu)

Gene: PTPN23 (protein tyrosine phosphatase non-receptor type 23; plus strand). Cytogenetic location: 3p21.31.
Variant type: single nucleotide variant.
Coding change: c.1872C>G on transcript NM_015466.4 (MANE Select); coding-DNA position 1872, C replaced by G.
Protein change: p.Asp624Glu; replaces aspartic acid 624 with glutamic acid.
Molecular consequence: missense variant.
Genome position (GRCh38, 1-based): chr3:47,409,491, C>G. VCF-style: chr3-47409491-C-G. GRCh37 (hg19) VCF-style: chr3-47450981-C-G.
Other names: c.1494C>G, p.Asp498Glu (NM_001304482.2); short protein forms D498E, D624E.
Identifiers: ClinVar variation 2428924 (VCV002428924.3), dbSNP rs2546247744, ClinGen allele CA352555611.